The following is an entry in ClinVar:

ClinVar aggregate classification (germline): Uncertain significance (1 of 4 stars; one submission).

Submission:

New York Genome Center
Classification: Uncertain significance. Last evaluated: 2020-07-03. Review status: criteria provided, single submitter. Criteria: NYGC Assertion Criteria 2020. Collection method: clinical testing. Allele origin: inherited. Affected: yes. Observed: 1 heterozygote. Study: CSER-NYCKidSeq.
Comment: The inherited c.2063C>T (p.Ser688Phe) variant identified in the CDC42BPB gene substitutes a well conserved Serine for Phenylalanine at amino acid 688/1712 (exon 15/37). This variant is absent from gnomAD(v3.0) suggesting it is not a common benign variant in the populations represented in that database. In silico algorithms do not agree on the effect of this variant, as it is predicted both Neutral (Provean; score:-2.32) and Damaging (SIFT; score:0.003) to the function of the canonical transcript. This variant is absent from ClinVar and to our current knowledge has not been reported in affected individuals in the literature. The p.Ser688 residue is not within a mapped domain of CDC42BPB, but is within a coiled-coil region of the protein (UniProtKB:Q9Y5S2). Given the lack of compelling evidence for its pathogenicity, the inherited c.2063C>T (p.Ser688Phe) variant identified in the CDC42BPB gene is reported as a Variant of UncertainSignificance.

NM_006035.4(CDC42BPB):c.2063C>T (p.Ser688Phe)

Gene: CDC42BPB (CDC42 binding protein kinase beta; minus strand). Cytogenetic location: 14q32.32.
Variant type: single nucleotide variant.
Coding change: c.2063C>T on transcript NM_006035.4 (MANE Select); coding-DNA position 2063, C replaced by T.
Protein change: p.Ser688Phe; replaces serine 688 with phenylalanine.
Molecular consequence: missense variant.
Genome position (GRCh38, 1-based): chr14:102,968,649, G>A on the plus strand (C>T on the coding strand, the complement: CDC42BPB is on the minus strand). VCF-style: chr14-102968649-G-A. GRCh37 (hg19) VCF-style: chr14-103434986-G-A.
Other names: short protein forms S688F.
Identifiers: ClinVar variation 1184371 (VCV001184371.1), dbSNP rs1893332407, ClinGen allele CA391086523.